The following is an entry in ClinVar:

ClinVar aggregate classification (germline): Uncertain significance (1 of 4 stars; one submission).

Allele frequency attached by ClinVar (database versions not stated): ExAC 0.00001; TOPMed 0.00002; gnomAD exomes 0.00001; gnomAD 0.00003.
gnomAD v4.1: 25 of 1,614,108 alleles (0.0015%); highest among the groups gnomAD compares: Non-Finnish European, 0.0021%; no homozygotes.

Submission:

Labcorp Genetics (formerly Invitae), Labcorp
Classification: Uncertain significance. Last evaluated: 2026-01-20. Review status: criteria provided, single submitter. Criteria: Invitae Variant Classification Sherloc (09022015). Collection method: clinical testing. Allele origin: germline.
Comment: This sequence change replaces valine, which is neutral and non-polar, with glycine, which is neutral and non-polar, at codon 99 of the SLC10A2 protein (p.Val99Gly). This variant is present in population databases (rs201049489, gnomAD 0.002%). This variant has not been reported in the literature in individuals affected with SLC10A2-related conditions. ClinVar contains an entry for this variant (Variation ID: 2868652). Invitae Evidence Modeling of protein sequence and biophysical properties (such as structural, functional, and spatial information, amino acid conservation, physicochemical variation, residue mobility, and thermodynamic stability) indicates that this missense variant is not expected to disrupt SLC10A2 protein function with a negative predictive value of 80%. In summary, the available evidence is currently insufficient to determine the role of this variant in disease. Therefore, it has been classified as a Variant of Uncertain Significance.

NM_000452.3(SLC10A2):c.296T>G (p.Val99Gly)

Gene: SLC10A2 (solute carrier family 10 member 2; minus strand). Cytogenetic location: 13q33.1.
Variant type: single nucleotide variant.
Coding change: c.296T>G on transcript NM_000452.3 (MANE Select); coding-DNA position 296, T replaced by G.
Protein change: p.Val99Gly; replaces valine 99 with glycine.
Molecular consequence: missense variant.
Genome position (GRCh38, 1-based): chr13:103,065,954, A>C on the plus strand (T>G on the coding strand, the complement: SLC10A2 is on the minus strand). VCF-style: chr13-103065954-A-C. GRCh37 (hg19) VCF-style: chr13-103718304-A-C.
Other names: short protein forms V99G.
Identifiers: ClinVar variation 2868652 (VCV002868652.3), dbSNP rs201049489, ClinGen allele CA7042292.